The following is an entry in ClinVar:

NM_153460.4(IL17RC):c.1472A>T (p.Asp491Val)

Gene: IL17RC (interleukin 17 receptor C; plus strand). Cytogenetic location: 3p25.3.
Variant type: single nucleotide variant.
Coding change: c.1472A>T on transcript NM_153460.4 (MANE Select); coding-DNA position 1472, A replaced by T.
Protein change: p.Asp491Val; replaces aspartic acid 491 with valine.
Molecular consequence: missense variant. On other transcripts: non-coding transcript variant (1).
Genome position (GRCh38, 1-based): chr3:9,932,692, A>T. VCF-style: chr3-9932692-A-T. GRCh37 (hg19) VCF-style: chr3-9974376-A-T.
Other names: c.1685A>T (NM_153461.3); c.1472A>T, p.Asp491Val (NM_001203263.2); c.1421A>T, p.Asp474Val (NM_001203264.2); c.1376A>T, p.Asp459Val (NM_001203265.2, NM_001410711.1); c.1433A>T, p.Asp478Val (NM_001367278.1); c.1352A>T, p.Asp451Val (NM_001367279.1); c.1427A>T, p.Asp476Val (NM_001367280.1, NM_032732.6); c.1685A>T, p.Asp562Val (NM_153461.4); short protein forms D459V, D476V, D478V, D491V, D562V, D451V, D474V.
Identifiers: ClinVar variation 2967551 (VCV002967551.4), dbSNP rs764429720, ClinGen allele CA2247291.

ClinVar aggregate classification (germline): Uncertain significance. Review status: criteria provided, multiple submitters, no conflicts (2 of 4 stars). 2 submissions from 2 submitters: Uncertain significance (2). Last evaluated 2024-10-28.

Conditions:
Candidiasis, familial, 9 (CANDF9). Identifiers: Orphanet 1334, MedGen C4225324, MONDO:0014642, OMIM 616445.

Allele frequency attached by ClinVar (database versions not stated): TOPMed below 0.00001; ExAC 0.00001; gnomAD 0.00001; gnomAD exomes 0.00001.
gnomAD v4.1: 6 of 1,613,902 alleles (0.00037%); highest among the groups gnomAD compares: Admixed American, 0.0083%; no homozygotes.

Submissions (2):

Labcorp Genetics (formerly Invitae), Labcorp
Classification: Uncertain significance for Candidiasis, familial, 9. Last evaluated: 2024-10-28. Review status: criteria provided, single submitter. Criteria: Invitae Variant Classification Sherloc (09022015). Collection method: clinical testing. Allele origin: germline.
Comment: This sequence change replaces aspartic acid, which is acidic and polar, with valine, which is neutral and non-polar, at codon 562 of the IL17RC protein (p.Asp562Val). This variant is present in population databases (rs764429720, gnomAD 0.003%). This variant has not been reported in the literature in individuals affected with IL17RC-related conditions. An algorithm developed to predict the effect of missense changes on protein structure and function (PolyPhen-2) suggests that this variant is likely to be disruptive. In summary, the available evidence is currently insufficient to determine the role of this variant in disease. Therefore, it has been classified as a Variant of Uncertain Significance.

Ambry Genetics
Classification: Uncertain significance. Last evaluated: 2024-10-07. Review status: criteria provided, single submitter. Criteria: Ambry Variant Classification Scheme 2023. Collection method: clinical testing. Allele origin: germline.